The following is an entry in ClinVar:

NM_000111.3(SLC26A3):c.1514+2T>C

Gene: SLC26A3 (solute carrier family 26 member 3; minus strand). Cytogenetic location: 7q22.3.
Variant type: single nucleotide variant.
Coding change: c.1514+2T>C on transcript NM_000111.3 (MANE Select); the canonical splice donor site of the intron after coding-DNA position 1514, T replaced by C.
Molecular consequence: splice donor variant.
Genome position (GRCh38, 1-based): chr7:107,778,173, A>G on the plus strand (T>C on the coding strand, the complement: SLC26A3 is on the minus strand). VCF-style: chr7-107778173-A-G. GRCh37 (hg19) VCF-style: chr7-107418618-A-G.
Identifiers: ClinVar variation 3013020 (VCV003013020.3), dbSNP rs993595530, ClinGen allele CA164237092.
Genomic context (GRCh38, chr7:107,778,173, plus strand): 5'-TTTCCTCTTCTGATTTGGGCAGGTCCAAGCCTGCCAGGATGCAGAGCACTTTGAGCACTC[A>G]CAATTGGGTCCTGAACACGATGGTTAGCAGTTGAAATGCCACACTAGCTGCCAGGCCTAA-3'

ClinVar aggregate classification (germline): Pathogenic (1 of 4 stars; one submission).

Allele frequency attached by ClinVar (database versions not stated): TOPMed 0.00001; gnomAD 0.00001.
gnomAD v4.1: 1 of 1,608,296 alleles (0.000062%); no homozygotes.

Submission:

Labcorp Genetics (formerly Invitae), Labcorp
Classification: Pathogenic. Last evaluated: 2025-02-04. Review status: criteria provided, single submitter. Criteria: Invitae Variant Classification Sherloc (09022015). Collection method: clinical testing. Allele origin: germline.
Comment: This sequence change affects a donor splice site in intron 13 of the SLC26A3 gene. It is expected to disrupt RNA splicing. Variants that disrupt the donor or acceptor splice site typically lead to a loss of protein function (PMID: 16199547), and loss-of-function variants in SLC26A3 are known to be pathogenic (PMID: 9718329, 21394828). This variant is present in population databases (no rsID available, gnomAD 0.01%). Disruption of this splice site has been observed in individual(s) with congenital chloride diarrhea (PMID: 21694535). ClinVar contains an entry for this variant (Variation ID: 3013020). Algorithms developed to predict the effect of sequence changes on RNA splicing suggest that this variant may disrupt the consensus splice site. For these reasons, this variant has been classified as Pathogenic.

Literature cited by the submitters: PubMed 16199547; PubMed 9718329; PubMed 21394828; PubMed 21694535.